The following is an entry in ClinVar:

NM_006031.6(PCNT):c.7066G>C (p.Gly2356Arg)

Gene: PCNT (pericentrin; plus strand). Cytogenetic location: 21q22.3.
Variant type: single nucleotide variant.
Coding change: c.7066G>C on transcript NM_006031.6 (MANE Select); coding-DNA position 7066, G replaced by C.
Protein change: p.Gly2356Arg; replaces glycine 2356 with arginine.
Molecular consequence: missense variant.
Genome position (GRCh38, 1-based): chr21:46,422,011, G>C. VCF-style: chr21-46422011-G-C. GRCh37 (hg19) VCF-style: chr21-47841925-G-C.
Other names: c.6712G>C, p.Gly2238Arg (NM_001315529.2); c.7066G>C (NM_006031.5); short protein forms G2238R, G2356R.
Identifiers: ClinVar variation 3027108 (VCV003027108.23), dbSNP rs185445025, ClinGen allele CA410567280.
Genomic context (GRCh38, chr21:46,422,011, plus strand): 5'-GACCCTGTGGTGTTTTTAGGTGACGGCTCGGGTTTTGGAGCAAGACTGAGCCCGGGGTCA[G>C]GAGGCCCTGAGGCTCAAACTGCTGGTCCTGTGACCCCTGCTTCCATCTCTGGAAGGTTTC-3'
Protein context (NP_006022.3, residues 2346-2366): GFGARLSPGS[Gly2356Arg]GPEAQTAGPV

ClinVar aggregate classification (germline): Uncertain significance. Review status: criteria provided, multiple submitters, no conflicts (2 of 4 stars). 2 submissions from 2 submitters: Uncertain significance (2). Last evaluated 2026-03-26.

Conditions:
PCNT-related disorder. Also called: PCNT-related condition.

Submissions (2):

PreventionGenetics, part of Exact Sciences
Classification: Uncertain significance for PCNT-related condition. Last evaluated: 2026-03-26. Review status: criteria provided, single submitter. Criteria: ACMG Guidelines, 2015. Collection method: clinical testing. Allele origin: germline.
Comment: The PCNT c.7066G>C variant is predicted to result in the amino acid substitution p.Gly2356Arg. To our knowledge, this variant has not been reported in the literature or in a large population database (gnomAD), indicating this variant is rare. At this time, the clinical significance of this variant is uncertain due to the absence of conclusive functional and genetic evidence.

CeGaT Center for Human Genetics Tuebingen
Classification: Uncertain significance. Last evaluated: 2024-02-01. Review status: criteria provided, single submitter. Criteria: CeGaT Center For Human Genetics Tuebingen Variant Classification Criteria Version 2. Collection method: clinical testing. Allele origin: germline. Affected: yes. Observed: 1 variant allele.
Comment: PCNT: PM2, BP1, BP4